The following is an entry in ClinVar:

NM_000186.4(CFH):c.388G>A (p.Asp130Asn)

Gene: CFH (complement factor H; plus strand). Cytogenetic location: 1q31.3.
Variant type: single nucleotide variant.
Coding change: c.388G>A on transcript NM_000186.4 (MANE Select); coding-DNA position 388, G replaced by A.
Protein change: p.Asp130Asn; replaces aspartic acid 130 with asparagine.
Molecular consequence: missense variant.
Genome position (GRCh38, 1-based): chr1:196,676,026, G>A. VCF-style: chr1-196676026-G-A. GRCh37 (hg19) VCF-style: chr1-196645156-G-A.
Other names: p.Asp130Asn; c.388G>A, p.Asp130Asn (NM_001014975.3); short protein forms D130N.
Identifiers: ClinVar variation 502393 (VCV000502393.18), dbSNP rs147002633, ClinGen allele CA1305042.

ClinVar aggregate classification (germline): Uncertain significance. Review status: criteria provided, multiple submitters, no conflicts (2 of 4 stars). 11 submissions from 8 submitters: Uncertain significance (9). 2 of the submissions do not count toward it. Last evaluated 2026-09-17.

Conditions:
Factor H deficiency (CFHD). Also called: CFH DEFICIENCY; COMPLEMENT FACTOR H DEFICIENCY. Identifiers: Orphanet 200421, MedGen C0398777, MONDO:0012350, OMIM 609814.
Atypical hemolytic-uremic syndrome. Identifiers: Orphanet 2134, MedGen C2931788, MONDO:0016244.
Age related macular degeneration 4. Identifiers: MedGen C1853147, MONDO:0012540, OMIM 610698.
Hemolytic uremic syndrome, atypical, susceptibility to, 1. Also called: AHUS, SUSCEPTIBILITY TO, 1. Identifiers: Orphanet 2134, Orphanet 90038, MedGen C2749604, MONDO:0009335, OMIM 235400. Disease mechanism: Other.
Basal laminar drusen. Also called: DRUSEN OF BRUCH MEMBRANE; DRUSEN, CUTICULAR; DRUSEN, EARLY ADULT-ONSET, GROUPED. Identifiers: Orphanet 75376, MedGen C0730295, MONDO:0007472, OMIM 126700.

Allele frequency attached by ClinVar (database versions not stated): ExAC 0.00009; TOPMed 0.00011; gnomAD 0.00012 and 0.00013; gnomAD exomes 0.00014 and 0.00026; ESP Exome Variant Server 0.00015.
gnomAD v4.1: 388 of 1,610,568 alleles (0.024%); highest among the groups gnomAD compares: Non-Finnish European, 0.031%; no homozygotes.

Submissions (11):

Genomenon, Inc
Classification: Uncertain significance for Age related macular degeneration 4; Atypical hemolytic-uremic syndrome; Factor H deficiency. Last evaluated: 2026-09-17. Review status: criteria provided, single submitter. Criteria: Genomenon Sequence Variant Interpretation Standards - Updated. Collection method: curation. Allele origin: germline. Affected: yes.
Comment: CFH p.Asp130Asn (c.388G>A) is a missense variant that changes the amino acid at codon 130 from aspartic acid to asparagine. This variant has been observed in at least one proband affected with a CFH-related disorder (PMID: 26501415; 34631043; 22456601). Functional studies have been reported (PMID: 33519811; 36445700). It is absent or not present at a significant frequency in gnomAD. In silico models predict that this variant is not damaging. In conclusion, we classify CFH p.Asp130Asn (c.388G>A) as a variant of uncertain significance.

Labcorp Genetics (formerly Invitae), Labcorp
Classification: Uncertain significance. Last evaluated: 2026-01-04. Review status: criteria provided, single submitter. Criteria: Invitae Variant Classification Sherloc (09022015). Collection method: clinical testing. Allele origin: germline.
Comment: This sequence change replaces aspartic acid, which is acidic and polar, with asparagine, which is neutral and polar, at codon 130 of the CFH protein (p.Asp130Asn). This variant is present in population databases (rs147002633, gnomAD 0.03%). This missense change has been observed in individual(s) with clinical features of CFH-related conditions (PMID: 22456601, 26501415, 34169201, 34631043). ClinVar contains an entry for this variant (Variation ID: 502393). An algorithm developed to predict the effect of missense changes on protein structure and function (PolyPhen-2) suggests that this variant is likely to be disruptive. Experimental studies are conflicting or provide insufficient evidence to determine the effect of this variant on CFH function (PMID: 33519811, 36445700). In summary, the available evidence is currently insufficient to determine the role of this variant in disease. Therefore, it has been classified as a Variant of Uncertain Significance.

Mayo Clinic Laboratories, Mayo Clinic
Classification: Uncertain significance. Last evaluated: 2025-02-02. Review status: criteria provided, single submitter. Criteria: ACMG Guidelines, 2015. Collection method: clinical testing. Allele origin: germline. Observed: 1 variant allele.

Fulgent Genetics
Classification: Uncertain significance for Basal laminar drusen; Hemolytic uremic syndrome, atypical, susceptibility to, 1; Factor H deficiency; Age related macular degeneration 4. Last evaluated: 2024-05-25. Review status: criteria provided, single submitter. Criteria: ACMG Guidelines, 2015. Collection method: clinical testing. Allele origin: germline.

Genome-Nilou Lab
Classification: Uncertain significance for Hemolytic uremic syndrome, atypical, susceptibility to, 1. Last evaluated: 2023-04-11. Review status: criteria provided, single submitter. Criteria: ACMG Guidelines, 2015. Collection method: clinical testing. Allele origin: germline. Affected: no.

Genome-Nilou Lab
Classification: Uncertain significance for Age related macular degeneration 4. Last evaluated: 2023-04-11. Review status: criteria provided, single submitter. Criteria: ACMG Guidelines, 2015. Collection method: clinical testing. Allele origin: germline. Affected: no.

Genome-Nilou Lab
Classification: Uncertain significance for Basal laminar drusen. Last evaluated: 2023-04-11. Review status: criteria provided, single submitter. Criteria: ACMG Guidelines, 2015. Collection method: clinical testing. Allele origin: germline. Affected: no.

Genome-Nilou Lab
Classification: Uncertain significance for Factor H deficiency. Last evaluated: 2023-04-11. Review status: criteria provided, single submitter. Criteria: ACMG Guidelines, 2015. Collection method: clinical testing. Allele origin: germline. Affected: no.

Eurofins Ntd Llc (ga)
Classification: Uncertain significance. Last evaluated: 2017-06-01. Review status: criteria provided, single submitter. Criteria: EGL Classification Definitions 2015. Collection method: clinical testing. Allele origin: germline. Observed: 1 variant allele, 1 heterozygote.

Clinical Genetics DNA and cytogenetics Diagnostics Lab, Erasmus MC, Erasmus Medical Center
Classification: Uncertain significance. Review status: no assertion criteria provided. Collection method: clinical testing. Allele origin: germline. Affected: yes. Study: VKGL Data-share Consensus. Not counted in ClinVar's aggregate classification.

Joint Genome Diagnostic Labs from Nijmegen and Maastricht, Radboudumc and MUMC+
Classification: Uncertain significance. Review status: no assertion criteria provided. Collection method: clinical testing. Allele origin: germline. Affected: yes. Study: VKGL Data-share Consensus. Not counted in ClinVar's aggregate classification.

Literature cited by the submitters: PubMed 26501415 (cited by Genomenon, Inc and Labcorp Genetics (formerly Invitae), Labcorp); PubMed 34631043 (cited by Genomenon, Inc and Labcorp Genetics (formerly Invitae), Labcorp); PubMed 22456601 (cited by 3 submitters); PubMed 33519811 (cited by 3 submitters); PubMed 36445700 (cited by Genomenon, Inc and Labcorp Genetics (formerly Invitae), Labcorp); PubMed 34169201 (cited by Labcorp Genetics (formerly Invitae), Labcorp and Mayo Clinic Laboratories, Mayo Clinic); PubMed 29686068 (cited by Mayo Clinic Laboratories, Mayo Clinic); PubMed 36626252 (cited by Mayo Clinic Laboratories, Mayo Clinic).